The following is an entry in ClinVar:

ClinVar aggregate classification (germline): Uncertain significance (1 of 4 stars; one submission).

Allele frequency attached by ClinVar (database versions not stated): gnomAD 0.00003; TOPMed 0.00003.

Submission:

Labcorp Genetics (formerly Invitae), Labcorp
Classification: Uncertain significance. Last evaluated: 2022-03-03. Review status: criteria provided, single submitter. Criteria: Invitae Variant Classification Sherloc (09022015). Collection method: clinical testing. Allele origin: germline.
Comment: This sequence change replaces arginine, which is basic and polar, with cysteine, which is neutral and slightly polar, at codon 185 of the HMOX1 protein (p.Arg185Cys). This variant is present in population databases (rs748169225, gnomAD 0.009%). This variant has not been reported in the literature in individuals affected with HMOX1-related conditions. Algorithms developed to predict the effect of missense changes on protein structure and function (SIFT, PolyPhen-2, Align-GVGD) all suggest that this variant is likely to be disruptive. In summary, the available evidence is currently insufficient to determine the role of this variant in disease. Therefore, it has been classified as a Variant of Uncertain Significance.

NM_002133.3(HMOX1):c.553C>T (p.Arg185Cys)

Gene: HMOX1 (heme oxygenase 1; plus strand). Cytogenetic location: 22q12.3.
Variant type: single nucleotide variant.
Coding change: c.553C>T on transcript NM_002133.3 (MANE Select); coding-DNA position 553, C replaced by T.
Protein change: p.Arg185Cys; replaces arginine 185 with cysteine.
Molecular consequence: missense variant.
Genome position (GRCh38, 1-based): chr22:35,387,093, C>T. VCF-style: chr22-35387093-C-T. GRCh37 (hg19) VCF-style: chr22-35783086-C-T.
Other names: short protein forms R185C.
Identifiers: ClinVar variation 1398003 (VCV001398003.5), dbSNP rs748169225, ClinGen allele CA10204747.